The following is an entry in ClinVar:

NM_001040142.2(SCN2A):c.2229_2230del (p.Lys743fs)

Gene: SCN2A (sodium voltage-gated channel alpha subunit 2; plus strand). Cytogenetic location: 2q24.3.
Variant type: Deletion.
Coding change: c.2229_2230del on transcript NM_001040142.2 (MANE Select); coding-DNA positions 2229 to 2230, 2 bases deleted (AC; older notation c.2229_2230delAC).
Protein change: p.Lys743fs; shifts the reading frame from lysine 743.
Molecular consequence: frameshift variant.
Genome position (GRCh38, 1-based): chr2:165,331,409-165,331,410, AC deleted. VCF-style (leftmost placement, unchanged base first): chr2-165331408-AAC-A. GRCh37 (hg19) VCF-style: chr2-166187918-AAC-A.
Other names: c.2229_2230del, p.Lys743fs (NM_001040143.2, NM_001371246.1, NM_001371247.1 and 1 more transcripts); short protein forms K743fs.
Identifiers: ClinVar variation 374268 (VCV000374268.2), dbSNP rs1057518658, ClinGen allele CA16043650.
Genomic context (GRCh38, chr2:165,331,408, plus strand): 5'-AGAAATGCCCACCATGCTGGTATAAATTTGCTAATATGTGTTTGATTTGGGACTGTTGTA[AAC>A]CATGGTTAAAGGTGAAACACCTTGTCAACCTGGTTGTAATGGACCCATTTGTTGACCTGG-3'

ClinVar aggregate classification (germline): Pathogenic (0 of 4 stars; one submission).

Conditions:
Autism (AUTS). Also called: Autistic disorder; Autistic disorder of childhood onset. Identifiers: MedGen C0004352, MeSH D001321, MONDO:0005260, OMIM 209850, HP:0000717.

Submission:

Baylor Genetics
Classification: Pathogenic for Autism. Last evaluated: 2015-03-13. Review status: no assertion criteria provided. Collection method: clinical testing. Allele origin: de novo. Inheritance: Autosomal dominant inheritance. Affected: yes. Observed: 1 variant allele, 1 heterozygote.
Comment: The SCN2A variant is predicted to cause a frameshift and is categorized as deleterious by ACMGG guidelines [PMID: 18414213].